The following is an entry in ClinVar:

ClinVar aggregate classification (germline): Uncertain significance. Review status: criteria provided, multiple submitters, no conflicts (2 of 4 stars). 3 submissions from 3 submitters: Uncertain significance (2). 1 of the submissions does not count toward it. Last evaluated 2025-11-26.

Conditions:
Bardet-Biedl syndrome (BBS). Identifiers: Orphanet 110, MedGen C0752166, MONDO:0015229.
Inborn genetic diseases. Identifiers: MedGen C0950123, MeSH D030342.
BBS4-related disorder. Also called: BBS4-related condition.

Allele frequency attached by ClinVar (database versions not stated): gnomAD 0.00001; TOPMed 0.00001; gnomAD exomes 0.00002.
gnomAD v4.1: 28 of 1,614,092 alleles (0.0017%); highest among the groups gnomAD compares: Non-Finnish European, 0.0023%; no homozygotes.

Submissions (3):

Ambry Genetics
Classification: Uncertain significance for Inborn genetic diseases. Last evaluated: 2025-11-26. Review status: criteria provided, single submitter. Criteria: Ambry Variant Classification Scheme 2023. Collection method: clinical testing. Allele origin: germline.

Labcorp Genetics (formerly Invitae), Labcorp
Classification: Uncertain significance for Bardet-Biedl syndrome. Last evaluated: 2022-04-11. Review status: criteria provided, single submitter. Criteria: Invitae Variant Classification Sherloc (09022015). Collection method: clinical testing. Allele origin: germline.
Comment: This sequence change replaces valine, which is neutral and non-polar, with glycine, which is neutral and non-polar, at codon 266 of the BBS4 protein (p.Val266Gly). This variant is present in population databases (rs745485396, gnomAD 0.0009%). This variant has not been reported in the literature in individuals affected with BBS4-related conditions. Algorithms developed to predict the effect of missense changes on protein structure and function (SIFT, PolyPhen-2, Align-GVGD) all suggest that this variant is likely to be tolerated. In summary, the available evidence is currently insufficient to determine the role of this variant in disease. Therefore, it has been classified as a Variant of Uncertain Significance.

PreventionGenetics, part of Exact Sciences
Classification: Uncertain significance for BBS4-related condition. Last evaluated: 2023-12-19. Review status: no assertion criteria provided. Collection method: clinical testing. Allele origin: germline. Not counted in ClinVar's aggregate classification.
Comment: The BBS4 c.797T>G variant is predicted to result in the amino acid substitution p.Val266Gly. To our knowledge, this variant has not been reported in the literature. This variant is reported in 0.00088% of alleles in individuals of European (Non-Finnish) descent in gnomAD. At this time, the clinical significance of this variant is uncertain due to the absence of conclusive functional and genetic evidence.

NM_033028.5(BBS4):c.797T>G (p.Val266Gly)

Gene: BBS4 (Bardet-Biedl syndrome 4; plus strand). Cytogenetic location: 15q24.1.
Variant type: single nucleotide variant.
Coding change: c.797T>G on transcript NM_033028.5 (MANE Select); coding-DNA position 797, T replaced by G.
Protein change: p.Val266Gly; replaces valine 266 with glycine.
Molecular consequence: missense variant. On other transcripts: non-coding transcript variant (2).
Genome position (GRCh38, 1-based): chr15:72,731,390, T>G. VCF-style: chr15-72731390-T-G. GRCh37 (hg19) VCF-style: chr15-73023731-T-G.
Other names: c.797T>G (NM_033028.3, NM_033028.4); c.281T>G, p.Val94Gly (NM_001252678.2); c.728T>G, p.Val243Gly (NM_001320665.2); short protein forms V94G, V243G, V266G.
Identifiers: ClinVar variation 2142028 (VCV002142028.3), dbSNP rs745485396, ClinGen allele CA7646780.